The following is an entry in ClinVar:

ClinVar aggregate classification (germline): Benign/Likely benign. Review status: criteria provided, multiple submitters, no conflicts (2 of 4 stars). 3 submissions from 3 submitters: Benign (2); Likely benign (1). Last evaluated 2025-03-01.

Allele frequency attached by ClinVar (database versions not stated): gnomAD 0.00092; TOPMed 0.00164; ESP Exome Variant Server 0.00231.
gnomAD v4.1: 3,466 of 1,613,064 alleles (0.21%); highest among the groups gnomAD compares: Admixed American, 0.2%; 14 homozygotes.

Submissions (3):

CeGaT Center for Human Genetics Tuebingen
Classification: Likely benign. Last evaluated: 2025-03-01. Review status: criteria provided, single submitter. Criteria: CeGaT Center For Human Genetics Tuebingen Variant Classification Criteria Version 2. Collection method: clinical testing. Allele origin: germline. Affected: yes. Observed: 1 variant allele.
Comment: NRROS: BP4

Labcorp Genetics (formerly Invitae), Labcorp
Classification: Benign. Last evaluated: 2018-05-14. Review status: criteria provided, single submitter. Criteria: Invitae Variant Classification Sherloc (09022015). Collection method: clinical testing. Allele origin: germline.

Breakthrough Genomics
Classification: Benign. Review status: criteria provided, single submitter. Criteria: ACMG Guidelines, 2015. Collection method: not provided. Allele origin: germline. Inheritance: Autosomal recessive inheritance. Affected: yes.

NM_198565.3(NRROS):c.544C>A (p.Arg182Ser)

Gene: NRROS (negative regulator of reactive oxygen species; plus strand). Cytogenetic location: 3q29.
Variant type: single nucleotide variant.
Coding change: c.544C>A on transcript NM_198565.3 (MANE Select); coding-DNA position 544, C replaced by A.
Protein change: p.Arg182Ser; replaces arginine 182 with serine.
Molecular consequence: missense variant.
Genome position (GRCh38, 1-based): chr3:196,660,187, C>A. VCF-style: chr3-196660187-C-A. GRCh37 (hg19) VCF-style: chr3-196387058-C-A.
Other names: short protein forms R182S.
Identifiers: ClinVar variation 791024 (VCV000791024.11), dbSNP rs140233771, ClinGen allele CA2781735.